The following is an entry in ClinVar:

ClinVar aggregate classification (germline): Likely benign (1 of 4 stars; one submission).

gnomAD v4.1: 6 of 1,614,170 alleles (0.00037%); highest among the groups gnomAD compares: Admixed American, 0.01%; no homozygotes.

Submission:

CeGaT Center for Human Genetics Tuebingen
Classification: Likely benign. Last evaluated: 2026-02-01. Review status: criteria provided, single submitter. Criteria: CeGaT Center For Human Genetics Tuebingen Variant Classification Criteria Version 2. Collection method: clinical testing. Allele origin: germline. Affected: yes. Observed: 1 variant allele.
Comment: KMT2C: BP4, BP7

NM_170606.3(KMT2C):c.8016T>G (p.Ser2672=)

Gene: KMT2C (lysine methyltransferase 2C; minus strand). Cytogenetic location: 7q36.1.
Variant type: single nucleotide variant.
Coding change: c.8016T>G on transcript NM_170606.3 (MANE Select); coding-DNA position 8016, T replaced by G.
Protein change: p.Ser2672=; no amino-acid change (serine 2672 retained).
Molecular consequence: synonymous variant.
Genome position (GRCh38, 1-based): chr7:152,177,437, A>C on the plus strand (T>G on the coding strand, the complement: KMT2C is on the minus strand). VCF-style: chr7-152177437-A-C. GRCh37 (hg19) VCF-style: chr7-151874522-A-C.
Identifiers: ClinVar variation 4821344 (VCV004821344.4).